The following is an entry in ClinVar:

ClinVar aggregate classification (germline): Likely benign. Review status: criteria provided, single submitter (1 of 4 stars). 2 submissions from 2 submitters: Likely benign (1). 1 of the submissions does not count toward it. Last evaluated 2023-01-15.

Conditions:
DNAH9-related disorder. Also called: DNAH9-related condition.

Allele frequency attached by ClinVar (database versions not stated): gnomAD exomes below 0.00001; TOPMed 0.00002; gnomAD 0.00003.
gnomAD v4.1: 7 of 1,614,082 alleles (0.00043%); highest among the groups gnomAD compares: African/African-American, 0.008%; no homozygotes.

Submissions (2):

Labcorp Genetics (formerly Invitae), Labcorp
Classification: Likely benign. Last evaluated: 2023-01-15. Review status: criteria provided, single submitter. Criteria: Invitae Variant Classification Sherloc (09022015). Collection method: clinical testing. Allele origin: germline.

PreventionGenetics, part of Exact Sciences
Classification: Likely benign for DNAH9-related condition. Last evaluated: 2021-01-04. Review status: no assertion criteria provided. Collection method: clinical testing. Allele origin: germline. Not counted in ClinVar's aggregate classification.
Comment: This variant is classified as likely benign based on ACMG/AMP sequence variant interpretation guidelines (Richards et al. 2015 PMID: 25741868, with internal and published modifications).

NM_001372.4(DNAH9):c.4314G>A (p.Lys1438=)

Gene: DNAH9 (dynein axonemal heavy chain 9; plus strand). Cytogenetic location: 17p12.
Variant type: single nucleotide variant.
Coding change: c.4314G>A on transcript NM_001372.4 (MANE Select); coding-DNA position 4314, G replaced by A.
Protein change: p.Lys1438=; no amino-acid change (lysine 1438 retained).
Molecular consequence: synonymous variant.
Genome position (GRCh38, 1-based): chr17:11,690,136, G>A. VCF-style: chr17-11690136-G-A. GRCh37 (hg19) VCF-style: chr17-11593453-G-A.
Other names: c.4314G>A (NM_001372.3).
Identifiers: ClinVar variation 2896227 (VCV002896227.5), dbSNP rs986154610, ClinGen allele CA287809481.
Genomic context (GRCh38, chr17:11,690,136, plus strand): 5'-TGAGGTCCGGGGCATTGTGGACAAAGCTGCAAAAGAGATGGGTATGGAGAAAACCTTAAA[G>A]GAGCTGCAGACTACCTGGGCTGGCATGGAATTCCAGTATGAGCCCCACCCACGGACCAAT-3'
Protein context (NP_001363.2, residues 1428-1448): AKEMGMEKTL[Lys1438=]ELQTTWAGME